The following is an entry in ClinVar:

ClinVar aggregate classification (germline): Benign/Likely benign. Review status: criteria provided, multiple submitters, no conflicts (2 of 4 stars). 6 submissions from 6 submitters: Benign (1); Likely benign (4). 1 of the submissions does not count toward it. Last evaluated 2026-01-09.

Conditions:
Inborn genetic diseases. Identifiers: MedGen C0950123, MeSH D030342.
KMT2D-related disorder. Also called: KMT2D-Related Disorders.
Kabuki syndrome. Also called: NIIKAWA-KUROKI SYNDROME; Kabuki make-up syndrome. Identifiers: Orphanet 2322, MedGen C0796004, MONDO:0016512.

Allele frequency attached by ClinVar (database versions not stated): gnomAD exomes 0.00005 and 0.00018; ExAC 0.00029; 1000 Genomes Project 0.00060; 1000 Genomes Project 30x 0.00062; TOPMed 0.00070; gnomAD 0.00072 and 0.00079; ESP Exome Variant Server 0.00099.
gnomAD v4.1: 192 of 1,612,830 alleles (0.012%); highest among the groups gnomAD compares: African/African-American, 0.24%; no homozygotes.

Submissions (7):

Labcorp Genetics (formerly Invitae), Labcorp
Classification: Likely benign for Kabuki syndrome. Last evaluated: 2026-01-09. Review status: criteria provided, single submitter. Criteria: Invitae Variant Classification Sherloc (09022015). Collection method: clinical testing. Allele origin: germline.

Blueprint Genetics
Classification: Likely benign. Last evaluated: 2024-09-11. Review status: criteria provided, single submitter. Criteria: ACMG Guidelines, 2015. Collection method: clinical testing. Allele origin: germline.

Ambry Genetics
Classification: Likely benign for Inborn genetic diseases. Last evaluated: 2021-09-24. Review status: criteria provided, single submitter. Criteria: Ambry Variant Classification Scheme 2023. Collection method: clinical testing. Allele origin: germline.

GeneDx
Classification: Benign. Last evaluated: 2020-01-20. Review status: criteria provided, single submitter. Criteria: GeneDx Variant Classification Process June 2021. Collection method: clinical testing. Allele origin: germline. Affected: yes.

Center for Pediatric Genomic Medicine, Children's Mercy Hospital and Clinics
Classification: Likely benign. Last evaluated: 2016-05-19. Review status: criteria provided, single submitter. Criteria: ACMG Guidelines, 2015. Collection method: clinical testing. Allele origin: germline.
ClinVar note: Converted during submission from Likely Benign to Likely benign.

PreventionGenetics, part of Exact Sciences
Classification: Likely benign for KMT2D-related condition. Last evaluated: 2019-05-20. Review status: no assertion criteria provided. Collection method: clinical testing. Allele origin: germline. Not counted in ClinVar's aggregate classification.
Comment: This variant is classified as likely benign based on ACMG/AMP sequence variant interpretation guidelines (Richards et al. 2015 PMID: 25741868, with internal and published modifications).

Dr. Peter K. Rogan Lab, Western University
No classification provided (evidence only). Condition: Ovarian serous cystadenocarcinoma. Review status: no classification provided. Collection method: in vitro. Allele origin: not applicable. Functional consequence: retained intron. Not counted in ClinVar's aggregate classification.

NM_003482.4(KMT2D):c.1258+3G>A

Gene: KMT2D (lysine methyltransferase 2D; minus strand). Cytogenetic location: 12q13.12.
Variant type: single nucleotide variant.
Coding change: c.1258+3G>A on transcript NM_003482.4 (MANE Select); 3 bases into the intron after coding-DNA position 1258, G replaced by A.
Molecular consequence: intron variant.
Genome position (GRCh38, 1-based): chr12:49,052,561, C>T on the plus strand (G>A on the coding strand, the complement: KMT2D is on the minus strand). VCF-style: chr12-49052561-C-T. GRCh37 (hg19) VCF-style: chr12-49446344-C-T.
Identifiers: ClinVar variation 235738 (VCV000235738.20), dbSNP rs368687683, ClinGen allele CA6548541.